The following is an entry in ClinVar:

ClinVar aggregate classification (germline): Pathogenic (1 of 4 stars; one submission).

Conditions:
Chédiak-Higashi syndrome (CHS). Also called: Chediak-Higashi Syndrome. Identifiers: Orphanet 167, MedGen C0007965, MONDO:0008963, OMIM 214500.

gnomAD v4.1: 1 of 1,613,826 alleles (0.000062%); highest among the groups gnomAD compares: Non-Finnish European, 0.000085%; no homozygotes.

Submission:

Labcorp Genetics (formerly Invitae), Labcorp
Classification: Pathogenic for Chédiak-Higashi syndrome. Last evaluated: 2024-03-20. Review status: criteria provided, single submitter. Criteria: Invitae Variant Classification Sherloc (09022015). Collection method: clinical testing. Allele origin: germline.
Comment: This sequence change creates a premature translational stop signal (p.Trp3469*) in the LYST gene. It is expected to result in an absent or disrupted protein product. Loss-of-function variants in LYST are known to be pathogenic (PMID: 9215679, 11857544). This variant is not present in population databases (gnomAD no frequency). This variant has not been reported in the literature in individuals affected with LYST-related conditions. For these reasons, this variant has been classified as Pathogenic.

Literature cited by the submitters: PubMed 9215679; PubMed 11857544.

NM_000081.4(LYST):c.10406G>A (p.Trp3469Ter)

Gene: LYST (lysosomal trafficking regulator; minus strand). Cytogenetic location: 1q42.3.
Variant type: single nucleotide variant.
Coding change: c.10406G>A on transcript NM_000081.4 (MANE Select); coding-DNA position 10406, G replaced by A.
Protein change: p.Trp3469Ter; replaces tryptophan 3469 with a stop codon.
Molecular consequence: nonsense.
Genome position (GRCh38, 1-based): chr1:235,697,241, C>T on the plus strand (G>A on the coding strand, the complement: LYST is on the minus strand). VCF-style: chr1-235697241-C-T. GRCh37 (hg19) VCF-style: chr1-235860541-C-T.
Other names: c.10406G>A, p.Trp3469Ter (NM_001301365.1); short protein forms W3469*.
Identifiers: ClinVar variation 3647070 (VCV003647070.2).